The following is an entry in ClinVar:

NM_000318.3(PEX2):c.415G>T (p.Val139Leu)

Gene: PEX2 (peroxisomal biogenesis factor 2; minus strand). Cytogenetic location: 8q21.13.
Variant type: single nucleotide variant.
Coding change: c.415G>T on transcript NM_000318.3 (MANE Select); coding-DNA position 415, G replaced by T.
Protein change: p.Val139Leu; replaces valine 139 with leucine.
Molecular consequence: missense variant.
Genome position (GRCh38, 1-based): chr8:76,983,764, C>A on the plus strand (G>T on the coding strand, the complement: PEX2 is on the minus strand). VCF-style: chr8-76983764-C-A. GRCh37 (hg19) VCF-style: chr8-77896000-C-A.
Other names: c.415G>T, p.Val139Leu (NM_001079867.2, NM_001172086.2, NM_001172087.2); short protein forms V139L.
Identifiers: ClinVar variation 834103 (VCV000834103.8), dbSNP rs1806914302, ClinGen allele CA371557388.

ClinVar aggregate classification (germline): Uncertain significance. Review status: criteria provided, single submitter (1 of 4 stars). 2 submissions from 2 submitters: Uncertain significance (1). 1 of the submissions does not count toward it. Last evaluated 2021-09-01.

Conditions:
Zellweger spectrum disorders (ZS). Also called: Zellweger Spectrum Disorder (ZSD); Zellweger syndrome; Zellweger Spectrum Disorder; Zellweger Spectrum. Identifiers: Orphanet 912, MedGen C0043459, MONDO:0019609.
Peroxisome biogenesis disorder 5A (Zellweger) (PBD5A). Identifiers: Orphanet 912, MedGen C3553940, MONDO:0013932, OMIM 614866.

Submissions (2):

Labcorp Genetics (formerly Invitae), Labcorp
Classification: Uncertain significance for Peroxisome biogenesis disorder 5A (Zellweger). Last evaluated: 2021-09-01. Review status: criteria provided, single submitter. Criteria: Invitae Variant Classification Sherloc (09022015). Collection method: clinical testing. Allele origin: germline.
Comment: This sequence change replaces valine with leucine at codon 139 of the PEX2 protein (p.Val139Leu). The valine residue is weakly conserved and there is a small physicochemical difference between valine and leucine. This variant is not present in population databases (ExAC no frequency). This variant has not been reported in the literature in individuals affected with PEX2-related conditions. Algorithms developed to predict the effect of missense changes on protein structure and function output the following: SIFT: "Tolerated"; PolyPhen-2: "Benign"; Align-GVGD: "Class C0". The leucine amino acid residue is found in multiple mammalian species, which suggests that this missense change does not adversely affect protein function. In summary, the available evidence is currently insufficient to determine the role of this variant in disease. Therefore, it has been classified as a Variant of Uncertain Significance.

Natera, Inc.
Classification: Uncertain significance for Zellweger syndrome. Last evaluated: 2025-03-23. Review status: no assertion criteria provided. Collection method: clinical testing. Allele origin: germline. Not counted in ClinVar's aggregate classification.